The following is an entry in ClinVar:

NM_002471.4(MYH6):c.233A>G (p.Gln78Arg)

Genes: MYH6 (myosin heavy chain 6; minus strand), LOC114827851 (VISTA enhancer hs2155; plus strand). Cytogenetic location: 14q11.2.
Variant type: single nucleotide variant.
Coding change: c.233A>G on transcript NM_002471.4 (MANE Select); coding-DNA position 233, A replaced by G.
Protein change: p.Gln78Arg; replaces glutamine 78 with arginine.
Molecular consequence: missense variant.
Genome position (GRCh38, 1-based): chr14:23,405,739, T>C on the plus strand (A>G on the coding strand, the complement: MYH6 is on the minus strand). VCF-style: chr14-23405739-T-C. GRCh37 (hg19) VCF-style: chr14-23874948-T-C.
Other names: short protein forms Q78R.
Identifiers: ClinVar variation 505879 (VCV000505879.11), dbSNP rs772216708, ClinGen allele CA7116220.
Genomic context (GRCh38, chr14:23,405,739, plus strand): 5'-TCGTGCAGGAAGGTCAGCATGGCCATGTCCTCAATCTTGTCGAACTTGGGTGGGTTCTGC[T>C]GCAACACCTGGTCCTCCTTCACAGTCACCGTCTGGAGGGGGCGCATAAGCAGGAGGATGA-3'
Protein context (NP_002462.2, residues 68-88): TVTVKEDQVL[Gln78Arg]QNPPKFDKIE

ClinVar aggregate classification (germline): Uncertain significance. Review status: criteria provided, multiple submitters, no conflicts (2 of 4 stars). 5 submissions from 5 submitters: Uncertain significance (5). Last evaluated 2024-09-20.

Conditions:
Cardiovascular phenotype. Identifiers: MedGen CN230736.
Sick sinus syndrome 3, susceptibility to (SSS3). Identifiers: Orphanet 166282, MedGen C3279791, MONDO:0013568, OMIM 614090.
Hypertrophic cardiomyopathy 1 (CMH1). Also called: Familial hypertrophic cardiomyopathy 1; MYH7-Related Familial Hypertrophic Cardiomyopathy. Identifiers: MedGen C3495498, MONDO:0008647, OMIM 192600.
Hypertrophic cardiomyopathy 14. Identifiers: MedGen C2750467, MONDO:0013197, OMIM 613251.
Dilated cardiomyopathy 1EE (CMD1EE). Identifiers: Orphanet 154, MedGen C2750466, MONDO:0013198, OMIM 613252.
Atrial septal defect 3 (ASD3). Identifiers: Orphanet 1478, MedGen C3279790, MONDO:0013567, OMIM 614089.

Allele frequency attached by ClinVar (database versions not stated): gnomAD exomes 0.00001 and 0.00002; TOPMed 0.00001; ExAC 0.00002; gnomAD 0.00003.
gnomAD v4.1: 38 of 1,614,030 alleles (0.0024%); highest among the groups gnomAD compares: Non-Finnish European, 0.003%; no homozygotes.

Submissions (5):

Ambry Genetics
Classification: Uncertain significance for Cardiovascular phenotype. Last evaluated: 2024-09-20. Review status: criteria provided, single submitter. Criteria: Ambry Variant Classification Scheme 2023. Collection method: clinical testing. Allele origin: germline.
Comment: The p.Q78R variant (also known as c.233A>G), located in coding exon 2 of the MYH6 gene, results from an A to G substitution at nucleotide position 233. The glutamine at codon 78 is replaced by arginine, an amino acid with highly similar properties. This amino acid position is conserved. In addition, this alteration is predicted to be tolerated by in silico analysis. Since supporting evidence is limited at this time, the clinical significance of this alteration remains unclear.

GeneDx
Classification: Uncertain significance. Last evaluated: 2022-10-11. Review status: criteria provided, single submitter. Criteria: GeneDx Variant Classification Process June 2021. Collection method: clinical testing. Allele origin: germline. Affected: yes.
Comment: Has not been previously published as pathogenic or benign to our knowledge; In silico analysis supports that this missense variant does not alter protein structure/function; Not observed at significant frequency in large population cohorts (gnomAD)

Fulgent Genetics
Classification: Uncertain significance for Hypertrophic cardiomyopathy 1; Hypertrophic cardiomyopathy 14; Dilated cardiomyopathy 1EE; Atrial septal defect 3; Sick sinus syndrome 3, susceptibility to. Last evaluated: 2021-11-01. Review status: criteria provided, single submitter. Criteria: ACMG Guidelines, 2015. Collection method: clinical testing. Allele origin: unknown.

Women's Health and Genetics/Laboratory Corporation of America, LabCorp
Classification: Uncertain significance. Last evaluated: 2018-09-11. Review status: criteria provided, single submitter. Criteria: LabCorp Variant Classification Summary - May 2015. Collection method: clinical testing. Allele origin: germline.
Comment: Variant summary: MYH6 c.233A>G (p.Gln78Arg) results in a conservative amino acid change located in the Myosin, N-terminal, SH3-like domain of the encoded protein sequence. Five of five in-silico tools predict a benign effect of the variant on protein function. The variant allele was found at a frequency of 7.2e-06 in 277170 control chromosomes (gnomAD). The available data on variant occurrences in the general population are insufficient to allow any conclusion about variant significance. To our knowledge, no occurrence of c.233A>G in individuals affected with Cardiomyopathy and no experimental evidence demonstrating its impact on protein function have been reported. One clinical diagnostic laboratory has submitted clinical-significance assessments for this variant to ClinVar after 2014 without evidence for independent evaluation and classified the variant as uncertain significance. Based on the evidence outlined above, the variant was classified as uncertain significance.

Laboratory for Molecular Medicine, Mass General Brigham Personalized Medicine
Classification: Uncertain significance. Last evaluated: 2017-07-21. Review status: criteria provided, single submitter. Criteria: LMM Criteria. Collection method: clinical testing. Allele origin: germline. Observed: 1 variant allele.
Comment: The p.Gln78Arg variant in MYH6 has not been previously reported in individuals w ith cardiomyopathy, but has been identified in 1/24006 African and 1/126688 Euro pean chromosomes by the Genome Aggregation Database (gnomAD; dbSNPrs772216708). Computational prediction tools and conservati on analysis suggest that the p.Gln78Arg variant may impact the protein, though t his information is not predictive enough to determine pathogenicity. In summary, the clinical significance of the p.Gln78Arg variant is uncertain.